The following is an entry in ClinVar:

NM_032638.5(GATA2):c.1391G>A (p.Ser464Asn)

Gene: GATA2 (GATA binding protein 2; minus strand). Cytogenetic location: 3q21.3.
Variant type: single nucleotide variant.
Coding change: c.1391G>A on transcript NM_032638.5 (MANE Select); coding-DNA position 1391, G replaced by A.
Protein change: p.Ser464Asn; replaces serine 464 with asparagine.
Molecular consequence: missense variant.
Genome position (GRCh38, 1-based): chr3:128,481,071, C>T on the plus strand (G>A on the coding strand, the complement: GATA2 is on the minus strand). VCF-style: chr3-128481071-C-T. GRCh37 (hg19) VCF-style: chr3-128199914-C-T.
Other names: c.1391G>A, p.Ser464Asn (NM_001145661.2); c.1349G>A, p.Ser450Asn (NM_001145662.1); short protein forms S464N, S450N.
Identifiers: ClinVar variation 5022195 (VCV005022195.1).
Genomic context (GRCh38, chr3:128,481,071, plus strand): 5'-TCTGTTCCCTAGCCCATGGCGGTCACCATGCTGGACGGGTGGGGGTGGCCGAAGGAGAGG[C>T]TGGAGGAGGGGTGGATGGGCGTCGGAGTGGGCAGGATGTGTCCGGAGTGGCTGAAGGGCG-3'
Protein context (NP_116027.2, residues 454-474): PTPTPIHPSS[Ser464Asn]LSFGHPHPSS

ClinVar aggregate classification (germline): Uncertain significance (1 of 4 stars; one submission).

Conditions:
Inborn genetic diseases. Identifiers: MedGen C0950123, MeSH D030342.

Submission:

Ambry Genetics
Classification: Uncertain significance for Inborn genetic diseases. Last evaluated: 2026-07-06. Review status: criteria provided, single submitter. Criteria: Ambry Variant Classification Scheme 2023. Collection method: clinical testing. Allele origin: germline.
Comment: The p.S464N variant (also known as c.1391G>A), located in coding exon 5 of the GATA2 gene, results from a G to A substitution at nucleotide position 1391. The serine at codon 464 is replaced by asparagine, an amino acid with highly similar properties. This amino acid position is conserved. In addition, the in silico prediction for this alteration is inconclusive. Based on the available evidence, the clinical significance of this variant remains unclear.